The following is an entry in ClinVar:

NM_000051.4(ATM):c.3025G>C (p.Glu1009Gln)

Gene: ATM (ATM serine/threonine kinase; plus strand). Cytogenetic location: 11q22.3.
Variant type: single nucleotide variant.
Coding change: c.3025G>C on transcript NM_000051.4 (MANE Select); coding-DNA position 3025, G replaced by C.
Protein change: p.Glu1009Gln; replaces glutamic acid 1009 with glutamine.
Molecular consequence: missense variant.
Genome position (GRCh38, 1-based): chr11:108,271,354, G>C. VCF-style: chr11-108271354-G-C. GRCh37 (hg19) VCF-style: chr11-108142081-G-C.
Other names: c.3025G>C, p.Glu1009Gln (NM_001351834.2); short protein forms E1009Q.
Identifiers: ClinVar variation 419680 (VCV000419680.12), dbSNP rs1064794039, ClinGen allele CA16619152.

ClinVar aggregate classification (germline): Uncertain significance. Review status: criteria provided, multiple submitters, no conflicts (2 of 4 stars). 5 submissions from 5 submitters: Uncertain significance (5). Last evaluated 2025-12-02.

Conditions:
Hereditary cancer-predisposing syndrome. Also called: Hereditary neoplastic syndrome; Hereditary Cancer Syndrome; Neoplastic Syndromes, Hereditary; Tumor predisposition. Identifiers: Orphanet 140162, MedGen C0027672, MeSH D009386, MONDO:0015356.
Familial cancer of breast. Also called: hereditary breast carcinoma; Hereditary breast cancer; BREAST CANCER, FAMILIAL. Identifiers: Orphanet 227535, MedGen C0346153, MONDO:0016419, OMIM 114480. Disease mechanism: loss of function.
Ataxia-telangiectasia syndrome (AT). Also called: Ataxia-telangiectasia, complementation group D; Cerebello-oculocutaneous telangiectasia; Immunodeficiency with ataxia telangiectasia; ATAXIA-TELANGIECTASIA, COMPLEMENTATION GROUP A; ATAXIA-TELANGIECTASIA, FRESNO VARIANT; LOUIS-BAR SYNDROME. Identifiers: Orphanet 100, MedGen C0004135, MONDO:0008840, OMIM 208900.

Allele frequency attached by ClinVar (database versions not stated): gnomAD exomes below 0.00001; TOPMed below 0.00001.
gnomAD v4.1: 2 of 1,613,960 alleles (0.00012%); highest among the groups gnomAD compares: Non-Finnish European, 0.00017%; no homozygotes.

Submissions (5):

Ambry Genetics
Classification: Uncertain significance for Hereditary cancer-predisposing syndrome. Last evaluated: 2025-12-02. Review status: criteria provided, single submitter. Criteria: Ambry Variant Classification Scheme 2023. Collection method: clinical testing. Allele origin: germline.
Comment: The p.E1009Q variant (also known as c.3025G>C), located in coding exon 19 of the ATM gene, results from a G to C substitution at nucleotide position 3025. The glutamic acid at codon 1009 is replaced by glutamine, an amino acid with highly similar properties. In an assay testing ATM function, this variant showed a functionally normal result (Lee KS et al. Cell, 2025 Sep;188:5081-5099.e27). This amino acid position is highly conserved in available vertebrate species. In addition, the in silico prediction for this alteration is inconclusive. Based on the available evidence, the clinical significance of this variant remains unclear.

Labcorp Genetics (formerly Invitae), Labcorp
Classification: Uncertain significance for Ataxia-telangiectasia syndrome. Last evaluated: 2024-12-22. Review status: criteria provided, single submitter. Criteria: Invitae Variant Classification Sherloc (09022015). Collection method: clinical testing. Allele origin: germline.
Comment: This sequence change replaces glutamic acid, which is acidic and polar, with glutamine, which is neutral and polar, at codon 1009 of the ATM protein (p.Glu1009Gln). This variant is present in population databases (no rsID available, gnomAD 0.0009%). This variant has not been reported in the literature in individuals affected with ATM-related conditions. ClinVar contains an entry for this variant (Variation ID: 419680). Invitae Evidence Modeling of protein sequence and biophysical properties (such as structural, functional, and spatial information, amino acid conservation, physicochemical variation, residue mobility, and thermodynamic stability) indicates that this missense variant is not expected to disrupt ATM protein function with a negative predictive value of 95%. In summary, the available evidence is currently insufficient to determine the role of this variant in disease. Therefore, it has been classified as a Variant of Uncertain Significance.

Women's Health and Genetics/Laboratory Corporation of America, LabCorp
Classification: Uncertain significance. Last evaluated: 2024-07-03. Review status: criteria provided, single submitter. Criteria: LabCorp Variant Classification Summary - May 2015. Collection method: clinical testing. Allele origin: germline.
Comment: Variant summary: ATM c.3025G>C (p.Glu1009Gln) results in a conservative amino acid change in the encoded protein sequence. Three of five in-silico tools predict a damaging effect of the variant on protein function. The variant allele was found at a frequency of 7.2e-06 in 276254 control chromosomes. The available data on variant occurrences in the general population are insufficient to allow any conclusion about variant significance. To our knowledge, no occurrence of c.3025G>C in individuals affected with Ataxia-Telangiectasia and no experimental evidence demonstrating its impact on protein function have been reported. ClinVar contains an entry for this variant (Variation ID: 419680). Based on the evidence outlined above, the variant was classified as uncertain significance.

Baylor Genetics
Classification: Uncertain significance for Familial cancer of breast. Last evaluated: 2023-07-04. Review status: criteria provided, single submitter. Criteria: ACMG Guidelines, 2015. Collection method: clinical testing. Allele origin: unknown.

GeneDx
Classification: Uncertain significance. Last evaluated: 2016-10-13. Review status: criteria provided, single submitter. Criteria: GeneDx Variant Classification (06012015). Collection method: clinical testing. Allele origin: germline. Affected: yes.
Comment: This variant is denoted ATM c.3025G>C at the cDNA level, p.Glu1009Gln (E1009Q) at the protein level, and results in the change of a Glutamic Acid to a Glutamine (GAG>CAG). This variant has not, to our knowledge, been published in the literature as pathogenic or benign. ATM Glu1009Gln was not observed in approximately 6,500 individuals of European and African American ancestry in the NHLBI Exome Sequencing Project, indicating it is not a common benign variant in these populations. Since Glutamic Acid and Glutamine differ in some properties, this is considered a semi-conservative amino acid substitution. ATM Glu1009Gln occurs at a position that is conserved across species and is located within the beta-adaptin interaction domain (Tavtigian 2009). In silico analyses are inconsistent regarding the effect this variant may have on protein structure and function. Based on currently available information, it is unclear whether ATM Glu1009Gln is pathogenic or benign. We consider it to be a variant of uncertain significance.

Literature cited by the submitters: PubMed 40580951 (cited by Ambry Genetics); PubMed 30287823 (cited by Women's Health and Genetics/Laboratory Corporation of America, LabCorp).